The following is an entry in ClinVar:

ClinVar aggregate classification (germline): Likely pathogenic (1 of 4 stars; one submission).

Conditions:
Gastrointestinal stromal tumor. Also called: Gastrointestinal stromal tumor, somatic; Gastrointestinal stroma tumor. Identifiers: Orphanet 44890, MedGen C0238198, MeSH D046152, MONDO:0011719, OMIM 606764, HP:0100723.
Pheochromocytoma/paraganglioma syndrome 3. Also called: GLOMUS TUMORS, FAMILIAL, 3; Paragangliomas 3; SDHC-Related Hereditary Paraganglioma-Pheochromocytoma Syndrome (Paragangliomas 3); SDHC-Related Hereditary Paraganglioma-Pheochromocytoma Syndrome. Identifiers: Orphanet 29072, MedGen C1854336, MONDO:0011544, OMIM 605373.

Submission:

Labcorp Genetics (formerly Invitae), Labcorp
Classification: Likely pathogenic for Pheochromocytoma/paraganglioma syndrome 3; Gastrointestinal stromal tumor. Last evaluated: 2025-10-26. Review status: criteria provided, single submitter. Criteria: Invitae Variant Classification Sherloc (09022015). Collection method: clinical testing. Allele origin: germline.
Comment: This sequence change affects an acceptor splice site in intron 4 of the SDHC gene. It is expected to disrupt RNA splicing. Variants that disrupt the donor or acceptor splice site typically lead to a loss of protein function (PMID: 16199547), and loss-of-function variants in SDHC are known to be pathogenic (PMID: 17667967, 19454582, 23282968, 24758179). This variant is not present in population databases (gnomAD no frequency). This variant has not been reported in the literature in individuals affected with SDHC-related conditions. ClinVar contains an entry for this variant (Variation ID: 3748854). Algorithms developed to predict the effect of sequence changes on RNA splicing suggest that this variant may disrupt the consensus splice site. In summary, the currently available evidence indicates that the variant is pathogenic, but additional data are needed to prove that conclusively. Therefore, this variant has been classified as Likely Pathogenic.

Literature cited by the submitters: PubMed 16199547; PubMed 17667967; PubMed 19454582; PubMed 23282968; PubMed 24758179.

NM_003001.5(SDHC):c.242-1G>A

Gene: SDHC (succinate dehydrogenase complex subunit C; plus strand). Cytogenetic location: 1q23.3.
Variant type: single nucleotide variant.
Coding change: c.242-1G>A on transcript NM_003001.5 (MANE Select); the canonical splice acceptor site of the intron before coding-DNA position 242, G replaced by A.
Molecular consequence: splice acceptor variant. On other transcripts: intron variant (3).
Genome position (GRCh38, 1-based): chr1:161,356,676, G>A. VCF-style: chr1-161356676-G-A. GRCh37 (hg19) VCF-style: chr1-161326466-G-A.
Other names: c.131-1G>A (NM_001407119.1, NM_001407120.1); c.362-1G>A (NM_001407115.1); c.242-5653G>A (NM_001035511.3); c.140-1G>A (NM_001035512.3); c.140-5653G>A (NM_001278172.3); c.134-1G>A (NM_001407118.1); c.185-1G>A (NM_001407116.1); c.185-5653G>A (NM_001407121.1); and 2 more.
Identifiers: ClinVar variation 3748854 (VCV003748854.2).